The following is an entry in ClinVar:

NM_024334.3(TMEM43):c.1061G>C (p.Cys354Ser)

Gene: TMEM43 (transmembrane protein 43; plus strand). Cytogenetic location: 3p25.1.
Variant type: single nucleotide variant.
Coding change: c.1061G>C on transcript NM_024334.3 (MANE Select); coding-DNA position 1061, G replaced by C.
Protein change: p.Cys354Ser; replaces cysteine 354 with serine.
Molecular consequence: missense variant.
Genome position (GRCh38, 1-based): chr3:14,141,653, G>C. VCF-style: chr3-14141653-G-C. GRCh37 (hg19) VCF-style: chr3-14183153-G-C.
Other names: short protein forms C354S.
Identifiers: ClinVar variation 235059 (VCV000235059.29), dbSNP rs187262922, ClinGen allele CA051095.
Genomic context (GRCh38, chr3:14,141,653, plus strand): 5'-TGGACTGGTTTCCTGTTTTCCGAGACCTGGTCAACATTGGCCTGAAAGCCTTTGCCTTCT[G>C]TGTGGCCACCTCGCTGACCCTGCTGACCGTGGCGGCTGGCTGGCTCTTCTACCGACCCCT-3'
Protein context (NP_077310.1, residues 344-364): VNIGLKAFAF[Cys354Ser]VATSLTLLTV

ClinVar aggregate classification (germline): Conflicting classifications of pathogenicity. Review status: criteria provided, conflicting classifications (1 of 4 stars). 9 submissions from 9 submitters: Uncertain significance (1); Likely benign (5). 3 of the submissions do not count toward it. Last evaluated 2026-01-22.

Conditions:
Cardiovascular phenotype. Identifiers: MedGen CN230736.
Cardiomyopathy (CMYO). Also called: Cardiomyopathies. Identifiers: Orphanet 167848, MedGen C0878544, MONDO:0004994, HP:0001638. Inheritance: Various modes of inheritance.
Arrhythmogenic right ventricular dysplasia 5. Also called: Arrhythmogenic Right Ventricular Dysplasia/Cardiomyopathy 5; ARRHYTHMOGENIC RIGHT VENTRICULAR DYSPLASIA, FAMILIAL, 5. Identifiers: MedGen C1858379, MONDO:0011459, OMIM 604400.

Allele frequency attached by ClinVar (database versions not stated): TOPMed 0.00011; 1000 Genomes Project 30x 0.00016; 1000 Genomes Project 0.00020.
gnomAD v4.1: 330 of 1,614,172 alleles (0.02%); highest among the groups gnomAD compares: Non-Finnish European, 0.0078%; no homozygotes.

Submissions (9):

Labcorp Genetics (formerly Invitae), Labcorp
Classification: Likely benign for Arrhythmogenic right ventricular dysplasia 5. Last evaluated: 2026-01-22. Review status: criteria provided, single submitter. Criteria: Invitae Variant Classification Sherloc (09022015). Collection method: clinical testing. Allele origin: germline.

All of Us Research Program, National Institutes of Health
Classification: Likely benign for Arrhythmogenic right ventricular dysplasia 5. Last evaluated: 2024-08-06. Review status: criteria provided, single submitter. Criteria: ACMG Guidelines, 2015. Collection method: clinical testing. Allele origin: germline. Inheritance: Autosomal dominant inheritance. Observed: 24 variant alleles, 24 heterozygotes.
Comment: This study involves interpretation of variants in research participants for the purpose of population health screening. Participant phenotype was not available at the time of variant classification. Additional details can be found in publication PMID: 35346344, PMCID: PMC8962531

Blueprint Genetics
Classification: Likely benign. Last evaluated: 2024-01-23. Review status: criteria provided, single submitter. Criteria: ACMG Guidelines, 2015. Collection method: clinical testing. Allele origin: germline.

Ambry Genetics
Classification: Likely benign for Cardiovascular phenotype. Last evaluated: 2020-07-20. Review status: criteria provided, single submitter. Criteria: Ambry Variant Classification Scheme 2023. Collection method: clinical testing. Allele origin: germline.

Color Diagnostics, LLC DBA Color Health
Classification: Likely benign for Cardiomyopathy. Last evaluated: 2019-05-02. Review status: criteria provided, single submitter. Criteria: ACMG Guidelines, 2015. Collection method: clinical testing. Allele origin: germline.

Stanford Center for Inherited Cardiovascular Disease, Stanford University
Classification: Uncertain significance. Last evaluated: 2012-12-11. Review status: criteria provided, single submitter. Criteria: ACMG Guidelines, 2015. Collection method: provider interpretation. Allele origin: germline.

Diagnostic Laboratory, Department of Genetics, University Medical Center Groningen
Classification: Likely benign. Review status: no assertion criteria provided. Collection method: clinical testing. Allele origin: germline. Affected: yes. Study: VKGL Data-share Consensus. Not counted in ClinVar's aggregate classification.

Genome Diagnostics Laboratory, University Medical Center Utrecht
Classification: Likely benign. Review status: no assertion criteria provided. Collection method: clinical testing. Allele origin: germline. Affected: yes. Study: VKGL Data-share Consensus. Not counted in ClinVar's aggregate classification.

Joint Genome Diagnostic Labs from Nijmegen and Maastricht, Radboudumc and MUMC+
Classification: Likely benign. Review status: no assertion criteria provided. Collection method: clinical testing. Allele origin: germline. Affected: yes. Study: VKGL Data-share Consensus. Not counted in ClinVar's aggregate classification.